The following is an entry in ClinVar:

ClinVar aggregate classification (germline): not provided (0 of 4 stars; one submission).

Allele frequency attached by ClinVar (database versions not stated): gnomAD exomes 0.00008 and 0.00018; ExAC 0.00023; 1000 Genomes Project 30x 0.00062; 1000 Genomes Project 0.00080; gnomAD 0.00101 and 0.00103; TOPMed 0.00107.
gnomAD v4.1: 267 of 1,612,922 alleles (0.017%); highest among the groups gnomAD compares: African/African-American, 0.34%; 1 homozygote.

Submission:

Human Evolutionary Genetics, Institut Pasteur
No classification provided. Review status: no classification provided. Collection method: not provided. Allele origin: germline.
ClinVar note: Converted during submission from untested to not provided.

NM_176810.2(NLRP13):c.2619-11T>A

Gene: NLRP13 (NLR family pyrin domain containing 13; minus strand). Cytogenetic location: 19q13.43.
Variant type: single nucleotide variant.
Coding change: c.2619-11T>A on transcript NM_176810.2 (MANE Select); 11 bases into the intron before coding-DNA position 2619, T replaced by A.
Molecular consequence: intron variant.
Genome position (GRCh38, 1-based): chr19:55,902,216, A>T on the plus strand (T>A on the coding strand, the complement: NLRP13 is on the minus strand). VCF-style: chr19-55902216-A-T. GRCh37 (hg19) VCF-style: chr19-56413582-A-T.
Other names: c.2619-11T>A (NM_001321057.1).
Identifiers: ClinVar variation 103310 (VCV000103310.2), dbSNP rs199476258, ClinGen allele CA230398.